The following is an entry in ClinVar:

ClinVar aggregate classification (germline): Uncertain significance. Review status: criteria provided, multiple submitters, no conflicts (2 of 4 stars). 4 submissions from 4 submitters: Uncertain significance (4). Last evaluated 2025-06-29.

Conditions:
Inborn genetic diseases. Identifiers: MedGen C0950123, MeSH D030342.

Allele frequency attached by ClinVar (database versions not stated): gnomAD 0.00004; gnomAD exomes 0.00005; ExAC 0.00006; TOPMed 0.00006; ESP Exome Variant Server 0.00008.
gnomAD v4.1: 126 of 1,578,128 alleles (0.008%); highest among the groups gnomAD compares: Admixed American, 0.015%; no homozygotes.

Submissions (4):

Ambry Genetics
Classification: Uncertain significance for Inborn genetic diseases. Last evaluated: 2025-06-29. Review status: criteria provided, single submitter. Criteria: Ambry Variant Classification Scheme 2023. Collection method: clinical testing. Allele origin: germline.

Labcorp Genetics (formerly Invitae), Labcorp
Classification: Uncertain significance. Last evaluated: 2024-05-13. Review status: criteria provided, single submitter. Criteria: Invitae Variant Classification Sherloc (09022015). Collection method: clinical testing. Allele origin: germline.
Comment: This sequence change replaces arginine, which is basic and polar, with histidine, which is basic and polar, at codon 2118 of the HSPG2 protein (p.Arg2118His). This variant is present in population databases (rs144032875, gnomAD 0.01%). This variant has not been reported in the literature in individuals affected with HSPG2-related conditions. ClinVar contains an entry for this variant (Variation ID: 585998). An algorithm developed to predict the effect of missense changes on protein structure and function (PolyPhen-2) suggests that this variant is likely to be disruptive. In summary, the available evidence is currently insufficient to determine the role of this variant in disease. Therefore, it has been classified as a Variant of Uncertain Significance.

Revvity Omics, Revvity
Classification: Uncertain significance. Last evaluated: 2019-07-08. Review status: criteria provided, single submitter. Criteria: ACMG Guidelines, 2015. Collection method: clinical testing. Allele origin: germline.

Athena Diagnostics
Classification: Uncertain significance. Last evaluated: 2018-04-17. Review status: criteria provided, single submitter. Criteria: Athena Diagnostics Criteria. Collection method: clinical testing. Allele origin: germline.

NM_005529.7(HSPG2):c.6353G>A (p.Arg2118His)

Gene: HSPG2 (heparan sulfate proteoglycan 2; minus strand). Cytogenetic location: 1p36.12.
Variant type: single nucleotide variant.
Coding change: c.6353G>A on transcript NM_005529.7 (MANE Select); coding-DNA position 6353, G replaced by A.
Protein change: p.Arg2118His; replaces arginine 2118 with histidine.
Molecular consequence: missense variant.
Genome position (GRCh38, 1-based): chr1:21,854,279, C>T on the plus strand (G>A on the coding strand, the complement: HSPG2 is on the minus strand). VCF-style: chr1-21854279-C-T. GRCh37 (hg19) VCF-style: chr1-22180772-C-T.
Other names: c.6353G>A (NM_005529.5); c.6356G>A, p.Arg2119His (NM_001291860.2); short protein forms R2118H, R2119H.
Identifiers: ClinVar variation 585998 (VCV000585998.14), dbSNP rs144032875, ClinGen allele CA671588.
Genomic context (GRCh38, chr1:21,854,279, plus strand): 5'-GTGCCGTGGAGCACAGACACAGTAATGGAGGCCTCCTTGGGGCCCGATCCATTCTCCACA[C>T]GGCACACATATTCTCCAGAATCAGCTGGTGAGACCTGGGGGAGCCGCAGACGGGAGCCGT-3'
Protein context (NP_005520.4, residues 2108-2128): SPADSGEYVC[Arg2118His]VENGSGPKEA